The following is an entry in ClinVar:

ClinVar aggregate classification (germline): Likely benign. Review status: criteria provided, multiple submitters, no conflicts (2 of 4 stars). 2 submissions from 2 submitters: Likely benign (2). Last evaluated 2026-01-01.

Allele frequency attached by ClinVar (database versions not stated): gnomAD exomes 0.00001; TOPMed 0.00001.
gnomAD v4.1: 10 of 1,614,226 alleles (0.00062%); highest among the groups gnomAD compares: Admixed American, 0.0033%; no homozygotes.

Submissions (2):

CeGaT Center for Human Genetics Tuebingen
Classification: Likely benign. Last evaluated: 2026-01-01. Review status: criteria provided, single submitter. Criteria: CeGaT Center For Human Genetics Tuebingen Variant Classification Criteria Version 2. Collection method: clinical testing. Allele origin: germline. Affected: yes. Observed: 1 variant allele.
Comment: LONP1: BP4, BP7

Labcorp Genetics (formerly Invitae), Labcorp
Classification: Likely benign. Last evaluated: 2025-03-13. Review status: criteria provided, single submitter. Criteria: Invitae Variant Classification Sherloc (09022015). Collection method: clinical testing. Allele origin: germline.

NM_004793.4(LONP1):c.1458G>A (p.Val486=)

Gene: LONP1 (lon peptidase 1, mitochondrial; minus strand). Cytogenetic location: 19p13.3.
Variant type: single nucleotide variant.
Coding change: c.1458G>A on transcript NM_004793.4 (MANE Select); coding-DNA position 1458, G replaced by A.
Protein change: p.Val486=; no amino-acid change (valine 486 retained).
Molecular consequence: synonymous variant. On other transcripts: non-coding transcript variant (1).
Genome position (GRCh38, 1-based): chr19:5,700,837, C>T on the plus strand (G>A on the coding strand, the complement: LONP1 is on the minus strand). VCF-style: chr19-5700837-C-T. GRCh37 (hg19) VCF-style: chr19-5700848-C-T.
Other names: c.1266G>A, p.Val422= (NM_001276479.2); c.870G>A, p.Val290= (NM_001276480.1).
Identifiers: ClinVar variation 2985755 (VCV002985755.7), dbSNP rs1260911174, ClinGen allele CA505072245.